The following is an entry in ClinVar:

NM_005012.4(ROR1):c.1052G>A (p.Arg351His)

Gene: ROR1 (receptor tyrosine kinase like orphan receptor 1; plus strand). Cytogenetic location: 1p31.3.
Variant type: single nucleotide variant.
Coding change: c.1052G>A on transcript NM_005012.4 (MANE Select); coding-DNA position 1052, G replaced by A.
Protein change: p.Arg351His; replaces arginine 351 with histidine.
Molecular consequence: missense variant.
Genome position (GRCh38, 1-based): chr1:64,142,528, G>A. VCF-style: chr1-64142528-G-A. GRCh37 (hg19) VCF-style: chr1-64608211-G-A.
Other names: c.1052G>A, p.Arg351His (NM_001083592.2); short protein forms R351H.
Identifiers: ClinVar variation 1356636 (VCV001356636.6), dbSNP rs141411649, ClinGen allele CA890206.

ClinVar aggregate classification (germline): Uncertain significance (1 of 4 stars; one submission).

Allele frequency attached by ClinVar (database versions not stated): gnomAD exomes 0.00011 and 0.00020; gnomAD 0.00014; 1000 Genomes Project 30x 0.00016; TOPMed 0.00016; 1000 Genomes Project 0.00020; ExAC 0.00021; ESP Exome Variant Server 0.00031.
gnomAD v4.1: 184 of 1,614,104 alleles (0.011%); highest among the groups gnomAD compares: Middle Eastern, 0.13%; 2 homozygotes.

Submission:

Labcorp Genetics (formerly Invitae), Labcorp
Classification: Uncertain significance. Last evaluated: 2024-11-03. Review status: criteria provided, single submitter. Criteria: Invitae Variant Classification Sherloc (09022015). Collection method: clinical testing. Allele origin: germline.
Comment: This sequence change replaces arginine, which is basic and polar, with histidine, which is basic and polar, at codon 351 of the ROR1 protein (p.Arg351His). This variant is present in population databases (rs141411649, gnomAD 0.06%). This variant has not been reported in the literature in individuals affected with ROR1-related conditions. ClinVar contains an entry for this variant (Variation ID: 1356636). Invitae Evidence Modeling of protein sequence and biophysical properties (such as structural, functional, and spatial information, amino acid conservation, physicochemical variation, residue mobility, and thermodynamic stability) indicates that this missense variant is not expected to disrupt ROR1 protein function with a negative predictive value of 80%. In summary, the available evidence is currently insufficient to determine the role of this variant in disease. Therefore, it has been classified as a Variant of Uncertain Significance.